The following is an entry in ClinVar:

NM_198525.3(KIF7):c.26del (p.Pro9fs)

Gene: KIF7 (kinesin family member 7; minus strand). Cytogenetic location: 15q26.1.
Variant type: Deletion.
Coding change: c.26del on transcript NM_198525.3 (MANE Select); coding-DNA position 26, one base deleted (C; older notation c.26delC).
Protein change: p.Pro9fs; shifts the reading frame from proline 9.
Molecular consequence: frameshift variant.
Genome position (GRCh38, 1-based): chr15:89,652,905, G deleted on the plus strand (C on the coding strand, the reverse complement: KIF7 is on the minus strand); the first of 2 consecutive G bases (chr15:89,652,905-89,652,906); deleting either gives the same sequence. VCF-style (leftmost placement, unchanged base first): chr15-89652904-TG-T. GRCh37 (hg19) VCF-style: chr15-90196135-TG-T.
Other names: short protein forms P9fs.
Identifiers: ClinVar variation 5019594 (VCV005019594.2).

ClinVar aggregate classification (germline): Likely pathogenic (1 of 4 stars; one submission).

Conditions:
Hydrolethalus syndrome 2 (HLS2). Identifiers: Orphanet 2189, MedGen C3279899, MONDO:0013585, OMIM 614120.
Multiple epiphyseal dysplasia, Al-Gazali type. Also called: Macrocephaly with multiple epiphyseal dysplasia and distinctive facies. Identifiers: Orphanet 166024, MedGen C1846722, MONDO:0011778, OMIM 607131.
Acrocallosal syndrome (ACLS). Also called: HALLUX DUPLICATION, POSTAXIAL POLYDACTYLY, AND ABSENCE OF CORPUS CALLOSUM; Schinzel syndrome 1; Absence of corpus callosum with unusual facial appearance, mental deficiency, duplication of the halluces and polydactyly. Identifiers: Orphanet 36, MedGen C0796147, MONDO:0008708, OMIM 200990.

Submission:

Juno Genomics, Hangzhou Juno Genomics, Inc
Classification: Likely pathogenic for Multiple epiphyseal dysplasia, Al-Gazali type; Hydrolethalus syndrome 2; Acrocallosal syndrome. Review status: criteria provided, single submitter. Criteria: ACMG Guidelines, 2015. Collection method: clinical testing. Allele origin: germline.
Comment: Absent from controls (or at extremely low frequency if recessive) in Genome Aggregation Database.;Null variant in a gene where loss of function (LOF) is a known mechanism of disease.